The following is an entry in ClinVar:

NM_012082.4(ZFPM2):c.1463T>C (p.Ile488Thr)

Genes: ZFPM2 (zinc finger protein, FOG family member 2; plus strand), ZFPM2-AS1 (ZFPM2 antisense RNA 1; minus strand). Cytogenetic location: 8q23.1.
Variant type: single nucleotide variant.
Coding change: c.1463T>C on transcript NM_012082.4 (MANE Select); coding-DNA position 1463, T replaced by C.
Protein change: p.Ile488Thr; replaces isoleucine 488 with threonine.
Molecular consequence: missense variant.
Genome position (GRCh38, 1-based): chr8:105,801,545, T>C. VCF-style: chr8-105801545-T-C. GRCh37 (hg19) VCF-style: chr8-106813773-T-C.
Other names: c.1304T>C, p.Ile435Thr (NM_001362836.2); c.1067T>C, p.Ile356Thr (NM_001362837.2); c.1463T>C (NM_012082.3); short protein forms I488T, I356T, I435T.
Identifiers: ClinVar variation 2917419 (VCV002917419.5), dbSNP rs775854541, ClinGen allele CA4839755.
Genomic context (GRCh38, chr8:105,801,545, plus strand): 5'-CAAAAATAAAGTCTGAGCCCTCTAGCCCAAGACTTGCCTCATCTCCAGTTCAGCCTAATA[T>C]TGGGCCTTCTTTCCCTGTGGGCCCTTTCCTATCTCAGTTTTCTTTCCCCCAAGATATCAC-3'
Protein context (NP_036214.2, residues 478-498): RLASSPVQPN[Ile488Thr]GPSFPVGPFL

ClinVar aggregate classification (germline): Conflicting classifications of pathogenicity. Review status: criteria provided, conflicting classifications (1 of 4 stars). 3 submissions from 3 submitters: Uncertain significance (2); Likely benign (1). Last evaluated 2024-02-17.

Conditions:
Inborn genetic diseases. Identifiers: MedGen C0950123, MeSH D030342.
46,XY sex reversal 9 (SRXY9). Also called: 46,XY SEX REVERSAL, ZFPM2-RELATED. Identifiers: Orphanet 251510, MedGen C4015129, MONDO:0014480, OMIM 616067.
Tetralogy of Fallot (TOF). Identifiers: Orphanet 3303, MedGen C0039685, MONDO:0008542, OMIM 187500, HP:0001636.
Diaphragmatic hernia 3 (DIH3). Identifiers: Orphanet 2140, MedGen C1857781, MONDO:0012431, OMIM 610187.

Allele frequency attached by ClinVar (database versions not stated): TOPMed 0.00001; gnomAD 0.00003; gnomAD exomes 0.00005; ExAC 0.00007.
gnomAD v4.1: 70 of 1,613,866 alleles (0.0043%); highest among the groups gnomAD compares: South Asian, 0.075%; 1 homozygote.

Submissions (3):

Ambry Genetics
Classification: Uncertain significance for Inborn genetic diseases. Last evaluated: 2024-02-17. Review status: criteria provided, single submitter. Criteria: Ambry Variant Classification Scheme 2023. Collection method: clinical testing. Allele origin: germline.

Labcorp Genetics (formerly Invitae), Labcorp
Classification: Uncertain significance for 46,XY sex reversal 9. Last evaluated: 2024-02-09. Review status: criteria provided, single submitter. Criteria: Invitae Variant Classification Sherloc (09022015). Collection method: clinical testing. Allele origin: germline.
Comment: This sequence change replaces isoleucine, which is neutral and non-polar, with threonine, which is neutral and polar, at codon 488 of the ZFPM2 protein (p.Ile488Thr). This variant is present in population databases (rs775854541, gnomAD 0.06%), and has an allele count higher than expected for a pathogenic variant. This variant has not been reported in the literature in individuals affected with ZFPM2-related conditions. An algorithm developed to predict the effect of missense changes on protein structure and function (PolyPhen-2) suggests that this variant is likely to be tolerated. In summary, the available evidence is currently insufficient to determine the role of this variant in disease. Therefore, it has been classified as a Variant of Uncertain Significance.

Department of Pathology and Laboratory Medicine, Sinai Health System
Classification: Likely benign for Tetralogy of Fallot; Diaphragmatic hernia 3; 46,XY sex reversal 9. Last evaluated: 2020-07-21. Review status: criteria provided, single submitter. Criteria: ACMG Guidelines, 2015. Collection method: research. Allele origin: germline.